The following is an entry in ClinVar:

ClinVar aggregate classification (germline): Uncertain significance (1 of 4 stars; one submission).

Conditions:
Hereditary cancer-predisposing syndrome. Also called: Hereditary neoplastic syndrome; Tumor predisposition; Hereditary Cancer Syndrome; Neoplastic Syndromes, Hereditary. Identifiers: Orphanet 140162, MedGen C0027672, MeSH D009386, MONDO:0015356.

Submission:

Ambry Genetics
Classification: Uncertain significance for Hereditary cancer-predisposing syndrome. Last evaluated: 2023-09-05. Review status: criteria provided, single submitter. Criteria: Ambry Variant Classification Scheme 2023. Collection method: clinical testing. Allele origin: germline.
Comment: The p.G802R variant (also known as c.2404G>A), located in coding exon 23 of the RB1 gene, results from a G to A substitution at nucleotide position 2404. The glycine at codon 802 is replaced by arginine, an amino acid with dissimilar properties. This amino acid position is conserved. In addition, the in silico prediction for this alteration is inconclusive. Since supporting evidence is limited at this time, the clinical significance of this alteration remains unclear.

NM_000321.3(RB1):c.2404G>A (p.Gly802Arg)

Gene: RB1 (RB transcriptional corepressor 1; plus strand). Cytogenetic location: 13q14.2.
Variant type: single nucleotide variant.
Coding change: c.2404G>A on transcript NM_000321.3 (MANE Select); coding-DNA position 2404, G replaced by A.
Protein change: p.Gly802Arg; replaces glycine 802 with arginine.
Molecular consequence: missense variant.
Genome position (GRCh38, 1-based): chr13:48,465,283, G>A. VCF-style: chr13-48465283-G-A. GRCh37 (hg19) VCF-style: chr13-49039419-G-A.
Other names: c.2404G>A, p.Gly802Arg (NM_001407165.1); short protein forms G802R.
Identifiers: ClinVar variation 2585746 (VCV002585746.2), dbSNP rs2138345824, ClinGen allele CA388167905.
Genomic context (GRCh38, chr13:48,465,283, plus strand): 5'-ATACCTCACATTCCTCGAAGCCCTTACAAGTTTCCTAGTTCACCCTTACGGATTCCTGGA[G>A]GGAACATCTATATTTCACCCCTGAAGAGTCCATATAAAATTTCAGAAGGTCTGCCAACAC-3'
Protein context (NP_000312.2, residues 792-812): FPSSPLRIPG[Gly802Arg]NIYISPLKSP